The following is an entry in ClinVar:

NM_001127222.2(CACNA1A):c.6630CCA[10] (p.His2219dup)

Gene: CACNA1A (calcium voltage-gated channel subunit alpha1 A; minus strand). Cytogenetic location: 19p13.13.
Variant type: Microsatellite.
Coding change: c.6630CCA[10] on transcript NM_001127222.2 (MANE Select); ten copies in a row of the 3-base unit CCA starting at c.6630; the reference has nine copies in a row; one copy, 3 bases duplicated.
Protein change: p.His2219dup; duplicates histidine 2219.
Molecular consequence: inframe insertion.
Genome position (GRCh38, 1-based): chr19:13,208,880-13,208,882, TGG duplicated on the plus strand (CCA on the coding strand, the reverse complement: CACNA1A is on the minus strand); duplicating any 3 consecutive bases within chr19:13,208,880-13,208,908 gives the same sequence; the position shown is the placement nearest the transcript's 3' end. VCF-style (leftmost placement, unchanged base first): chr19-13208879-A-ATGG. GRCh37 (hg19) VCF-style: chr19-13319693-A-ATGG.
Other names: c.6648CCA[10], p.His2225dup (NM_000068.4, NM_023035.3); c.6633CCA[10], p.His2220dup (NM_001127221.2); c.6639CCA[10], p.His2222dup (NM_001174080.2); c.6657_6659dup (NM_001127221.1).
Identifiers: ClinVar variation 419931 (VCV000419931.41), dbSNP rs759331923, ClinGen allele CA9239305.

ClinVar aggregate classification (germline): Conflicting classifications of pathogenicity. Review status: criteria provided, conflicting classifications (1 of 4 stars). 8 submissions from 7 submitters: Uncertain significance (3); Benign (2); Likely benign (2). 1 of the submissions does not count toward it. Last evaluated 2026-08-01.

Conditions:
Developmental and epileptic encephalopathy, 42 (DEE42A). Also called: Epileptic encephalopathy, early infantile, 42; DEVELOPMENTAL AND EPILEPTIC ENCEPHALOPATHY 42A; EPILEPTIC ENCEPHALOPATHY, EARLY INFANTILE, 42A. Identifiers: MedGen C4310716, MONDO:0014917, OMIM 617106.
Episodic ataxia type 2 (EA2). Also called: ACETAZOLAMIDE-RESPONSIVE HEREDITARY PAROXYSMAL CEREBELLAR ATAXIA; ATAXIA, EPISODIC, WITH NYSTAGMUS; ATAXIA, FAMILIAL PAROXYSMAL; CEREBELLAR ATAXIA, PAROXYSMAL, ACETAZOLAMIDE-RESPONSIVE; CEREBELLOPATHY, HEREDITARY PAROXYSMAL; EPISODIC ATAXIA, NYSTAGMUS-ASSOCIATED. Identifiers: Orphanet 97, MedGen C1720416, MONDO:0007163, OMIM 108500.
Inborn genetic diseases. Identifiers: MedGen C0950123, MeSH D030342.

Submissions (8):

CeGaT Center for Human Genetics Tuebingen
Classification: Likely benign. Last evaluated: 2026-08-01. Review status: criteria provided, single submitter. Criteria: CeGaT Center For Human Genetics Tuebingen Variant Classification Criteria Version 2. Collection method: clinical testing. Allele origin: germline. Affected: yes. Observed: 9 variant alleles.
Comment: CACNA1A: BS1

Revvity Omics, Revvity
Classification: Uncertain significance. Last evaluated: 2025-01-20. Review status: criteria provided, single submitter. Criteria: ACMG Guidelines, 2015. Collection method: clinical testing. Allele origin: germline.

Blueprint Genetics
Classification: Likely benign. Last evaluated: 2024-10-11. Review status: criteria provided, single submitter. Criteria: ACMG Guidelines, 2015. Collection method: clinical testing. Allele origin: germline.

GeneDx
Classification: Benign. Last evaluated: 2020-07-15. Review status: criteria provided, single submitter. Criteria: GeneDx Variant Classification Process June 2021. Collection method: clinical testing. Allele origin: germline. Affected: yes.
Comment: This variant is associated with the following publications: (PMID: 24046065)

Labcorp Genetics (formerly Invitae), Labcorp
Classification: Uncertain significance for Developmental and epileptic encephalopathy, 42; Episodic ataxia type 2. Last evaluated: 2017-05-26. Review status: criteria provided, single submitter. Criteria: Invitae Variant Classification Sherloc (09022015). Collection method: clinical testing. Allele origin: germline.
Comment: This sequence change inserts 3 nucleotides in exon 46 of the CACNA1A mRNA (c.6657_6659dup). This leads to the insertion of 1 amino acid residue in the CACNA1A protein (p.His2220dup). The additional amino acid residue extends a histidine repeat region of the CACNA1A protein, but otherwise preserves the integrity of the reading frame. While this variant is present in population databases (rs764972478), the frequency information is unreliable, as metrics indicate poor data quality at this position in the ExAC database. This variant has been reported in 3 individuals from a single family with features of episodic ataxia type 2 (PMID: 24046065). However, the most severely affected individual in this family also had a de novo pathogenic variant in CACNA1A, so the clinical significance of this in-frame duplication is unclear. Experimental studies and prediction algorithms are not available for this variant, and the functional significance of the duplicated amino acid is currently unknown. In summary, this variant is a rare in-frame duplication with uncertain impact on protein function. It has been reported in both the population and affected individuals, but the available evidence is currently insufficient to determine its role in disease. Therefore, it has been classified as a Variant of Uncertain Significance.

Ambry Genetics
Classification: Benign for Inborn genetic diseases. Last evaluated: 2016-07-18. Review status: criteria provided, single submitter. Criteria: Ambry Variant Classification Scheme 2023. Collection method: clinical testing. Allele origin: germline.

Eurofins Ntd Llc (ga)
Classification: Uncertain significance. Last evaluated: 2015-10-08. Review status: criteria provided, single submitter. Criteria: EGL Classification Definitions. Collection method: clinical testing. Allele origin: germline. Observed: 5 variant alleles, 5 heterozygotes.

GeneDx
Classification: Likely benign. Last evaluated: 2017-03-31. Review status: flagged submission. Criteria: GeneDx Variant Classification (06012015). Collection method: clinical testing. Allele origin: germline. Affected: yes. Not counted in ClinVar's aggregate classification.
Comment: This variant is considered likely benign or benign based on one or more of the following criteria: it is a conservative change, it occurs at a poorly conserved position in the protein, it is predicted to be benign by multiple in silico algorithms, and/or has population frequency not consistent with disease.
ClinVar note: Reason: This record appears to be redundant with a more recent record from the same submitter.
ClinVar note: Notes: SCV000714106 appears to be redundant with SCV000568148.

Literature cited by the submitters: PubMed 24046065 (cited by Labcorp Genetics (formerly Invitae), Labcorp and Eurofins Ntd Llc (ga)).